The following is an entry in ClinVar:

NM_007198.4(PLPBP):c.468T>C (p.Leu156=)

Gene: PLPBP (pyridoxal phosphate binding protein; plus strand). Cytogenetic location: 8p11.23.
Variant type: single nucleotide variant.
Coding change: c.468T>C on transcript NM_007198.4 (MANE Select); coding-DNA position 468, T replaced by C.
Protein change: p.Leu156=; no amino-acid change (leucine 156 retained).
Molecular consequence: synonymous variant.
Genome position (GRCh38, 1-based): chr8:37,775,352, T>C. VCF-style: chr8-37775352-T-C. GRCh37 (hg19) VCF-style: chr8-37632870-T-C.
Other names: c.498T>C, p.Leu166= (NM_001349346.2); c.462T>C, p.Leu154= (NM_001349347.2); c.312T>C, p.Leu104= (NM_001349348.2).
Identifiers: ClinVar variation 2076282 (VCV002076282.6), dbSNP rs137861716, ClinGen allele CA4711253.

ClinVar aggregate classification (germline): Likely benign. Review status: criteria provided, multiple submitters, no conflicts (2 of 4 stars). 3 submissions from 3 submitters: Likely benign (3). Last evaluated 2026-08-01.

Allele frequency attached by ClinVar (database versions not stated): gnomAD exomes 0.00004; ExAC 0.00016; TOPMed 0.00039; gnomAD 0.00041; ESP Exome Variant Server 0.00046; 1000 Genomes Project 30x 0.00078; 1000 Genomes Project 0.00080.
gnomAD v4.1: 127 of 1,614,234 alleles (0.0079%); highest among the groups gnomAD compares: African/African-American, 0.13%; 1 homozygote.

Submissions (3):

CeGaT Center for Human Genetics Tuebingen
Classification: Likely benign. Last evaluated: 2026-08-01. Review status: criteria provided, single submitter. Criteria: CeGaT Center For Human Genetics Tuebingen Variant Classification Criteria Version 2. Collection method: clinical testing. Allele origin: germline. Affected: yes. Observed: 1 variant allele.
Comment: PLPBP: BP4, BP7

Labcorp Genetics (formerly Invitae), Labcorp
Classification: Likely benign. Last evaluated: 2025-12-15. Review status: criteria provided, single submitter. Criteria: Invitae Variant Classification Sherloc (09022015). Collection method: clinical testing. Allele origin: germline.

Blueprint Genetics
Classification: Likely benign. Last evaluated: 2024-03-08. Review status: criteria provided, single submitter. Criteria: ACMG Guidelines, 2015. Collection method: clinical testing. Allele origin: germline.